The following is an entry in ClinVar:

ClinVar aggregate classification (germline): Uncertain significance. Review status: criteria provided, multiple submitters, no conflicts (2 of 4 stars). 2 submissions from 2 submitters: Uncertain significance (2). Last evaluated 2023-07-17.

Conditions:
Inborn genetic diseases. Identifiers: MedGen C0950123, MeSH D030342.

Submissions (2):

Labcorp Genetics (formerly Invitae), Labcorp
Classification: Uncertain significance. Last evaluated: 2023-07-17. Review status: criteria provided, single submitter. Criteria: Invitae Variant Classification Sherloc (09022015). Collection method: clinical testing. Allele origin: germline.
Comment: In summary, the available evidence is currently insufficient to determine the role of this variant in disease. Therefore, it has been classified as a Variant of Uncertain Significance. Experimental studies and prediction algorithms are not available or were not evaluated, and the functional significance of this variant is currently unknown. This variant has not been reported in the literature in individuals affected with ARHGAP31-related conditions. This variant is present in population databases (rs774589511, gnomAD 0.003%). This variant, c.374_376del, results in the deletion of 1 amino acid(s) of the ARHGAP31 protein (p.Glu125del), but otherwise preserves the integrity of the reading frame.

Ambry Genetics
Classification: Uncertain significance for Inborn genetic diseases. Last evaluated: 2023-05-18. Review status: criteria provided, single submitter. Criteria: Ambry Variant Classification Scheme 2023. Collection method: clinical testing. Allele origin: germline.
Comment: The c.374_376delAAG (p.E125del) alteration is located in exon 4 (coding exon 4) of the ARHGAP31 gene. This alteration consists of an in-frame deletion of 3 nucleotides between nucleotide positions c.374 and c.376, resulting in the deletion of <NA> residues. Based on insufficient or conflicting evidence, the clinical significance of this alteration remains unclear.

NM_020754.4(ARHGAP31):c.371AAG[1] (p.Glu125del)

Gene: ARHGAP31 (Rho GTPase activating protein 31; plus strand). Cytogenetic location: 3q13.33.
Variant type: Microsatellite.
Coding change: c.371AAG[1] on transcript NM_020754.4 (MANE Select); one copy of the 3-base unit AAG starting at c.371; the reference has two copies in a row; one copy, 3 bases deleted.
Protein change: p.Glu125del; deletes glutamic acid 125.
Molecular consequence: inframe deletion.
Genome position (GRCh38, 1-based): chr3:119,380,929-119,380,931, AAG deleted; deleting any 3 consecutive bases within chr3:119,380,925-119,380,931 gives the same sequence; the position shown is the placement nearest the transcript's 3' end. VCF-style (leftmost placement, unchanged base first): chr3-119380924-TGAA-T. GRCh37 (hg19) VCF-style: chr3-119099771-TGAA-T.
Other names: c.374_376delAAG (NM_020754.2); short protein forms E125del.
Identifiers: ClinVar variation 1470394 (VCV001470394.10), dbSNP rs774589511, ClinGen allele CA2553549.